The following is an entry in ClinVar:

NM_003114.5(SPAG1):c.2256G>C (p.Glu752Asp)

Gene: SPAG1 (sperm associated antigen 1; plus strand). Cytogenetic location: 8q22.2.
Variant type: single nucleotide variant.
Coding change: c.2256G>C on transcript NM_003114.5 (MANE Select); coding-DNA position 2256, G replaced by C.
Protein change: p.Glu752Asp; replaces glutamic acid 752 with aspartic acid.
Molecular consequence: missense variant.
Genome position (GRCh38, 1-based): chr8:100,239,380, G>C. VCF-style: chr8-100239380-G-C. GRCh37 (hg19) VCF-style: chr8-101251608-G-C.
Other names: c.2256G>C, p.Glu752Asp (NM_001374321.1, NM_172218.3); short protein forms E752D.
Identifiers: ClinVar variation 474659 (VCV000474659.8), dbSNP rs1478952612, ClinGen allele CA371817263.

ClinVar aggregate classification (germline): Uncertain significance (1 of 4 stars; one submission).

Conditions:
Primary ciliary dyskinesia 28. Also called: CILIARY DYSKINESIA, PRIMARY, 28, WITH OR WITHOUT SITUS INVERSUS. Identifiers: Orphanet 244, MedGen C3809706, MONDO:0014216, OMIM 615505.

Allele frequency attached by ClinVar (database versions not stated): gnomAD exomes below 0.00001; TOPMed 0.00002.
gnomAD v4.1: 8 of 1,606,170 alleles (0.0005%); highest among the groups gnomAD compares: African/African-American, 0.0067%; 1 homozygote.

Submission:

Labcorp Genetics (formerly Invitae), Labcorp
Classification: Uncertain significance for Primary ciliary dyskinesia 28. Last evaluated: 2022-07-01. Review status: criteria provided, single submitter. Criteria: Invitae Variant Classification Sherloc (09022015). Collection method: clinical testing. Allele origin: germline.
Comment: This sequence change replaces glutamic acid, which is acidic and polar, with aspartic acid, which is acidic and polar, at codon 752 of the SPAG1 protein (p.Glu752Asp). This variant is present in population databases (no rsID available, gnomAD 0.007%). This variant has not been reported in the literature in individuals affected with SPAG1-related conditions. ClinVar contains an entry for this variant (Variation ID: 474659). Algorithms developed to predict the effect of missense changes on protein structure and function are either unavailable or do not agree on the potential impact of this missense change (SIFT: "Tolerated"; PolyPhen-2: "Possibly Damaging"; Align-GVGD: "Class C0"). In summary, the available evidence is currently insufficient to determine the role of this variant in disease. Therefore, it has been classified as a Variant of Uncertain Significance.